The following is an entry in ClinVar:

ClinVar aggregate classification (germline): Likely pathogenic (1 of 4 stars; one submission).

Submission:

Quest Diagnostics Nichols Institute San Juan Capistrano
Classification: Likely pathogenic. Last evaluated: 2023-08-07. Review status: criteria provided, single submitter. Criteria: ACMG/ClinGen CNV Guidelines, 2019. Collection method: clinical testing. Allele origin: unknown.
Comment: This loss involves an intragenic portion (NM_004973.4) of JARID2 (OMIM 601594). Heterozygous loss-of-function variants of JARID2 are associated with autosomal dominant developmental delay with variable intellectual disability and dysmorphic facies (OMIM 620098, Baroy 2013, Cadieux-Dion 2022, Verberne 2021). Haploinsufficiency of JARID2 has been suggested and variable expressivity has been observed (Baroy 2013, Verberne 2021). There are no similar copy number losses of this region in the general populations of the Database of Genomic Variants. Thus, this copy number variant (CNV) is classified as likely pathogenic. References: Baroy et al., Orphanet J Rare Dis. 2013 Jan 7;8:3. PMID: 23294540; Cadieux-Dion et al., Clin Genet. 2022 Aug;102(2):136-141. PMID: 35533077; Verberne et al., Genet Med. 2021 Feb;23(2):374-383. PMID: 33077894

GRCh37/hg19 6p22.3(chr6:15302668-15442633)x1

Gene: JARID2 (jumonji and AT-rich interaction domain containing 2; plus strand). Cytogenetic location: 6p22.3.
Variant type: copy number loss.
Change: copy number 1 (one copy instead of two) of chr6:15,302,668-15,442,633 (140.0 kb, GRCh37 coordinates, 1-based), cytogenetic band 6p22.3.
Identifiers: ClinVar variation 3391829 (VCV003391829.1).